The following is an entry in ClinVar:

ClinVar aggregate classification (germline): Uncertain significance (1 of 4 stars; one submission).

gnomAD v4.1: 3 of 1,604,128 alleles (0.00019%); highest among the groups gnomAD compares: African/African-American, 0.0027%; no homozygotes.

Submission:

GeneDx
Classification: Uncertain significance. Last evaluated: 2024-10-21. Review status: criteria provided, single submitter. Criteria: GeneDx Variant Classification Process June 2021. Collection method: clinical testing. Allele origin: germline. Affected: yes.
Comment: Not observed at significant frequency in large population cohorts (gnomAD); In silico analysis indicates that this missense variant does not alter protein structure/function; Has not been previously published as pathogenic or benign to our knowledge

NM_052867.4(NALCN):c.2875A>G (p.Ile959Val)

Gene: NALCN (sodium leak channel, non-selective; minus strand). Cytogenetic location: 13q33.1.
Variant type: single nucleotide variant.
Coding change: c.2875A>G on transcript NM_052867.4 (MANE Select); coding-DNA position 2875, A replaced by G.
Protein change: p.Ile959Val; replaces isoleucine 959 with valine.
Molecular consequence: missense variant.
Genome position (GRCh38, 1-based): chr13:101,104,309, T>C on the plus strand (A>G on the coding strand, the complement: NALCN is on the minus strand). VCF-style: chr13-101104309-T-C. GRCh37 (hg19) VCF-style: chr13-101756660-T-C.
Other names: c.2962A>G, p.Ile988Val (NM_001350748.2); c.2875A>G, p.Ile959Val (NM_001350749.2); c.2788A>G, p.Ile930Val (NM_001350750.2, NM_001350751.2); short protein forms I930V, I959V, I988V.
Identifiers: ClinVar variation 3781175 (VCV003781175.1).